The following is an entry in ClinVar:

ClinVar aggregate classification (germline): Likely benign (1 of 4 stars; one submission).

Submission:

CeGaT Center for Human Genetics Tuebingen
Classification: Likely benign. Last evaluated: 2026-06-01. Review status: criteria provided, single submitter. Criteria: CeGaT Center For Human Genetics Tuebingen Variant Classification Criteria Version 2. Collection method: clinical testing. Allele origin: germline. Affected: yes. Observed: 1 variant allele.
Comment: MUC5B: PM2:Supporting, BP4, BP7

NM_002458.3(MUC5B):c.13245A>G (p.Pro4415=)

Gene: MUC5B (mucin 5B, oligomeric mucus/gel-forming; plus strand). Cytogenetic location: 11p15.5.
Variant type: single nucleotide variant.
Coding change: c.13245A>G on transcript NM_002458.3 (MANE Select); coding-DNA position 13245, A replaced by G.
Protein change: p.Pro4415=; no amino-acid change (proline 4415 retained).
Molecular consequence: synonymous variant.
Genome position (GRCh38, 1-based): chr11:1,250,125, A>G. VCF-style: chr11-1250125-A-G. GRCh37 (hg19) VCF-style: chr11-1271355-A-G.
Identifiers: ClinVar variation 4872189 (VCV004872189.2).